The following is an entry in ClinVar:

NM_006015.6(ARID1A):c.4918A>G (p.Thr1640Ala)

Gene: ARID1A (AT-rich interaction domain 1A; plus strand). Cytogenetic location: 1p36.11.
Variant type: single nucleotide variant.
Coding change: c.4918A>G on transcript NM_006015.6 (MANE Select); coding-DNA position 4918, A replaced by G.
Protein change: p.Thr1640Ala; replaces threonine 1640 with alanine.
Molecular consequence: missense variant.
Genome position (GRCh38, 1-based): chr1:26,775,145, A>G. VCF-style: chr1-26775145-A-G. GRCh37 (hg19) VCF-style: chr1-27101636-A-G.
Other names: c.4267A>G, p.Thr1423Ala (NM_139135.4); short protein forms T1640A, T1423A.
Identifiers: ClinVar variation 4143196 (VCV004143196.2).
Genomic context (GRCh38, chr1:26,775,145, plus strand): 5'-GTACCTGCCTCGCACATAGCACCTGCCCCTGTGCAGCCCCCCATGATTCGGCGGGATATC[A>G]CCTTCCCACCTGGCTCTGTTGAAGCCACACAGCCTGTGTTGAAGCAGAGGAGGCGGCTCA-3'
Protein context (NP_006006.3, residues 1630-1650): VQPPMIRRDI[Thr1640Ala]FPPGSVEATQ

ClinVar aggregate classification (germline): Uncertain significance. Review status: criteria provided, multiple submitters, no conflicts (2 of 4 stars). 2 submissions from 2 submitters: Uncertain significance (2). Last evaluated 2025-08-10.

Conditions:
Inborn genetic diseases. Identifiers: MedGen C0950123, MeSH D030342.

gnomAD v4.1: 55 of 1,613,418 alleles (0.0034%); highest among the groups gnomAD compares: Non-Finnish European, 0.0044%; no homozygotes.

Submissions (2):

Ambry Genetics
Classification: Uncertain significance for Inborn genetic diseases. Last evaluated: 2025-08-10. Review status: criteria provided, single submitter. Criteria: Ambry Variant Classification Scheme 2023. Collection method: clinical testing. Allele origin: germline.

Labcorp Genetics (formerly Invitae), Labcorp
Classification: Uncertain significance. Last evaluated: 2025-06-11. Review status: criteria provided, single submitter. Criteria: Invitae Variant Classification Sherloc (09022015). Collection method: clinical testing. Allele origin: germline.
Comment: This sequence change replaces threonine, which is neutral and polar, with alanine, which is neutral and non-polar, at codon 1640 of the ARID1A protein (p.Thr1640Ala). This variant is present in population databases (rs749349194, gnomAD 0.002%). This variant has not been reported in the literature in individuals affected with ARID1A-related conditions. Invitae Evidence Modeling of protein sequence and biophysical properties (such as structural, functional, and spatial information, amino acid conservation, physicochemical variation, residue mobility, and thermodynamic stability) indicates that this missense variant is not expected to disrupt ARID1A protein function with a negative predictive value of 80%. In summary, the available evidence is currently insufficient to determine the role of this variant in disease. Therefore, it has been classified as a Variant of Uncertain Significance.